The following is an entry in ClinVar:

NM_001242.5(CD27):c.359G>A (p.Cys120Tyr)

Genes: CD27 (CD27 molecule; plus strand), CD27-AS1 (CD27 antisense RNA 1; minus strand). Cytogenetic location: 12p13.31.
Variant type: single nucleotide variant.
Coding change: c.359G>A on transcript NM_001242.5 (MANE Select); coding-DNA position 359, G replaced by A.
Protein change: p.Cys120Tyr; replaces cysteine 120 with tyrosine.
Molecular consequence: missense variant.
Genome position (GRCh38, 1-based): chr12:6,450,263, G>A. VCF-style: chr12-6450263-G-A. GRCh37 (hg19) VCF-style: chr12-6559429-G-A.
Other names: short protein forms C120Y.
Identifiers: ClinVar variation 839080 (VCV000839080.10), dbSNP rs1949502158, ClinGen allele CA383549797.

ClinVar aggregate classification (germline): Uncertain significance (1 of 4 stars; one submission).

Conditions:
Lymphoproliferative syndrome 2 (LPFS2). Also called: Combined immunodeficiency due to CD27 deficiency; CD27 DEFICIENCY. Identifiers: Orphanet 238505, MedGen C3554540, MONDO:0014054, OMIM 615122.

Submission:

Labcorp Genetics (formerly Invitae), Labcorp
Classification: Uncertain significance for Lymphoproliferative syndrome 2. Last evaluated: 2019-11-26. Review status: criteria provided, single submitter. Criteria: Invitae Variant Classification Sherloc (09022015). Collection method: clinical testing. Allele origin: germline.
Comment: In summary, the available evidence is currently insufficient to determine the role of this variant in disease. Therefore, it has been classified as a Variant of Uncertain Significance. Algorithms developed to predict the effect of missense changes on protein structure and function (SIFT, PolyPhen-2, Align-GVGD) all suggest that this variant is likely to be disruptive, but these predictions have not been confirmed by published functional studies and their clinical significance is uncertain. This variant has not been reported in the literature in individuals with CD27-related conditions. This variant is not present in population databases (ExAC no frequency). This sequence change replaces cysteine with tyrosine at codon 120 of the CD27 protein (p.Cys120Tyr). The cysteine residue is highly conserved and there is a large physicochemical difference between cysteine and tyrosine.